The following is an entry in ClinVar:

ClinVar aggregate classification (germline): Uncertain significance (1 of 4 stars; one submission).

Conditions:
Primary dilated cardiomyopathy (DCM). Also called: Dilated Cardiomyopathy. Identifiers: Orphanet 217604, MedGen C0007193, MeSH D002311, MONDO:0005021, HP:0001644. Inheritance: Various modes of inheritance.

Allele frequency attached by ClinVar (database versions not stated): gnomAD 0.00001; TOPMed 0.00003; gnomAD exomes 0.00008; ExAC 0.00026.
gnomAD v4.1: 127 of 1,610,602 alleles (0.0079%); highest among the groups gnomAD compares: Non-Finnish European, 0.0081%; no homozygotes.

Submission:

Labcorp Genetics (formerly Invitae), Labcorp
Classification: Uncertain significance for Primary dilated cardiomyopathy. Last evaluated: 2025-11-12. Review status: criteria provided, single submitter. Criteria: Invitae Variant Classification Sherloc (09022015). Collection method: clinical testing. Allele origin: germline.
Comment: This sequence change replaces isoleucine, which is neutral and non-polar, with threonine, which is neutral and polar, at codon 480 of the NEBL protein (p.Ile480Thr). This variant is present in population databases (rs201325130, gnomAD 0.03%). This missense change has been observed in individual(s) with clinical features of dilated cardiomyopathy (PMID: 31737537). ClinVar contains an entry for this variant (Variation ID: 2076703). An algorithm developed to predict the effect of missense changes on protein structure and function (PolyPhen-2) suggests that this variant is likely to be tolerated. In summary, the available evidence is currently insufficient to determine the role of this variant in disease. Therefore, it has been classified as a Variant of Uncertain Significance.

Literature cited by the submitters: PubMed 31737537.

NM_006393.3(NEBL):c.1439T>C (p.Ile480Thr)

Gene: NEBL (nebulette; minus strand). Cytogenetic location: 10p12.31.
Variant type: single nucleotide variant.
Coding change: c.1439T>C on transcript NM_006393.3 (MANE Select); coding-DNA position 1439, T replaced by C.
Protein change: p.Ile480Thr; replaces isoleucine 480 with threonine.
Molecular consequence: missense variant. On other transcripts: intron variant (9).
Genome position (GRCh38, 1-based): chr10:20,835,523, A>G on the plus strand (T>C on the coding strand, the complement: NEBL is on the minus strand). VCF-style: chr10-20835523-A-G. GRCh37 (hg19) VCF-style: chr10-21124452-A-G.
Other names: c.250-22583T>C (NM_001377326.1, NM_001377327.1, NM_001377328.1); c.358-22583T>C (NM_213569.2, NM_001173484.2, NM_001377322.1); c.301-22583T>C (NM_001377324.1); c.292-22583T>C (NM_001377325.1); c.310-22583T>C (NM_001377323.1); short protein forms I480T.
Identifiers: ClinVar variation 2076703 (VCV002076703.4), dbSNP rs201325130, ClinGen allele CA5432876.